The following is an entry in ClinVar:

ClinVar aggregate classification (germline): Pathogenic/Likely pathogenic. Review status: criteria provided, multiple submitters, no conflicts (2 of 4 stars). 4 submissions from 4 submitters: Pathogenic (2); Likely pathogenic (1). 1 of the submissions does not count toward it. Last evaluated 2026-03-02.

Conditions:
PPM1D-related disorder. Also called: PPM1D-related condition.
Intellectual developmental disorder with gastrointestinal difficulties and high pain threshold (JDVS). Also called: JANSEN-DE VRIES SYNDROME. Identifiers: Orphanet 653767, MedGen C4479517, MONDO:0044318, OMIM 617450.

Allele frequency attached by ClinVar (database versions not stated): gnomAD exomes below 0.00001; ExAC 0.00001.
gnomAD v4.1: 3 of 1,614,048 alleles (0.00019%); highest among the groups gnomAD compares: Non-Finnish European, 0.00025%; no homozygotes.

Submissions (4):

Victorian Clinical Genetics Services, Murdoch Childrens Research Institute
Classification: Pathogenic for Intellectual developmental disorder with gastrointestinal difficulties and high pain threshold. Last evaluated: 2026-03-02. Review status: criteria provided, single submitter. Criteria: ACMG Guidelines, 2015. Collection method: clinical testing. Allele origin: germline. Affected: yes.
Comment: This variant is classified as Pathogenic. Evidence in support of pathogenic classification: Variant is predicted to result in a truncated protein (premature termination codon is NOT located at least 54 nucleotides upstream of the final exon-exon junction) with at least 1/3 of the protein sequence affected; Variant is present in gnomAD <0.001 for a dominant condition (v4: 3 heterozygote(s), 0 homozygote(s)); This variant has moderate previous evidence of pathogenicity in unrelated individuals. This variant has been classified as likely pathogenic/pathogenic by clinical laboratories in ClinVar. Additionally, it has been reported de novo in the literature in an individual with a neurodevelopmental disorder (PMID: 28343630); Other truncating variant(s) comparable to the one identified in this case have very strong previous evidence for pathogenicity (DECIPHER). Additional information: This variant is heterozygous; This gene is associated with autosomal dominant disease; The mechanism of disease for this gene is not clearly established; Inheritance information for this variant is not currently available in this individual.

GeneDx
Classification: Pathogenic. Last evaluated: 2022-12-14. Review status: criteria provided, single submitter. Criteria: GeneDx Variant Classification Process June 2021. Collection method: clinical testing. Allele origin: germline.
Comment: Nonsense variant in the C-terminus predicted to result in protein truncation, as the last 199 amino acids are lost, and other loss-of-function variants have been reported downstream in HGMD; This variant is associated with the following publications: (PMID: 28343630, 34289145, Wang2021[Computational])

Blueprint Genetics
Classification: Likely pathogenic for PPM1D-related disorders. Last evaluated: 2021-12-22. Review status: criteria provided, single submitter. Criteria: ACMG Guidelines, 2015. Collection method: clinical testing. Allele origin: de novo. Affected: yes. Observed: 1 variant allele.

OMIM
Classification: Pathogenic for JANSEN-DE VRIES SYNDROME. Last evaluated: 2019-06-17. Review status: no assertion criteria provided. Collection method: literature only. Allele origin: germline. Not counted in ClinVar's aggregate classification.

Literature cited by the submitters: PubMed 28343630 (cited by Victorian Clinical Genetics Services, Murdoch Childrens Research Institute and OMIM).

NM_003620.4(PPM1D):c.1221T>A (p.Cys407Ter)

Gene: PPM1D (protein phosphatase, Mg2+/Mn2+ dependent 1D; plus strand). Cytogenetic location: 17q23.2.
Variant type: single nucleotide variant.
Coding change: c.1221T>A on transcript NM_003620.4 (MANE Select); coding-DNA position 1221, T replaced by A.
Protein change: p.Cys407Ter; replaces cysteine 407 with a stop codon.
Molecular consequence: nonsense.
Genome position (GRCh38, 1-based): chr17:60,656,802, T>A. VCF-style: chr17-60656802-T-A. GRCh37 (hg19) VCF-style: chr17-58734163-T-A.
Other names: short protein forms C407*.
Identifiers: ClinVar variation 424875 (VCV000424875.8), dbSNP rs189669693, ClinGen allele CA8687691.